The following is an entry in ClinVar:

NM_003611.3(OFD1):c.1561C>T (p.Leu521=)

Gene: OFD1 (OFD1 centriole and centriolar satellite protein; plus strand). Cytogenetic location: Xp22.2.
Variant type: single nucleotide variant.
Coding change: c.1561C>T on transcript NM_003611.3 (MANE Select); coding-DNA position 1561, C replaced by T.
Protein change: p.Leu521=; no amino-acid change (leucine 521 retained).
Molecular consequence: synonymous variant.
Genome position (GRCh38, 1-based): chrX:13,758,355, C>T. VCF-style: chrX-13758355-C-T. GRCh37 (hg19) VCF-style: chrX-13776474-C-T.
Other names: c.1441C>T, p.Leu481= (NM_001330209.2, NM_001440948.1); c.1141C>T, p.Leu381= (NM_001330210.2); c.1561C>T, p.Leu521= (NM_001440947.1).
Identifiers: ClinVar variation 4085520 (VCV004085520.8).

ClinVar aggregate classification (germline): Uncertain significance (1 of 4 stars; one submission).

gnomAD v4.1: 1 of 1,201,738 alleles (0.000083%); highest among the groups gnomAD compares: Non-Finnish European, 0.00011%; no homozygotes.

Submission:

CeGaT Center for Human Genetics Tuebingen
Classification: Uncertain significance. Last evaluated: 2025-07-01. Review status: criteria provided, single submitter. Criteria: CeGaT Center For Human Genetics Tuebingen Variant Classification Criteria Version 2. Collection method: clinical testing. Allele origin: germline. Affected: yes. Observed: 1 variant allele.
Comment: OFD1: PM2, BP4